The following is an entry in ClinVar:

NM_003072.5(SMARCA4):c.2852G>A (p.Gly951Glu)

Gene: SMARCA4 (SWI/SNF related BAF chromatin remodeling complex subunit ATPase 4; plus strand). Cytogenetic location: 19p13.2.
Variant type: single nucleotide variant.
Coding change: c.2852G>A on transcript NM_003072.5 (MANE Select); coding-DNA position 2852, G replaced by A.
Protein change: p.Gly951Glu; replaces glycine 951 with glutamic acid.
Molecular consequence: missense variant. On other transcripts: non-coding transcript variant (1).
Genome position (GRCh38, 1-based): chr19:11,021,960, G>A. VCF-style: chr19-11021960-G-A. GRCh37 (hg19) VCF-style: chr19-11132636-G-A.
Other names: c.2852G>A, p.Gly951Glu (NM_001128844.3, NM_001128845.2, NM_001128846.2 and 5 more transcripts); short protein forms G951E.
Identifiers: ClinVar variation 1374782 (VCV001374782.6), dbSNP rs2146423728, ClinGen allele CA404057122.
Genomic context (GRCh38, chr19:11,021,960, plus strand): 5'-CCATCTTCAAGAGCTGCAGCACCTTCGAGCAGTGGTTTAACGCACCCTTTGCCATGACCG[G>A]GGAAAAGGTGGGTTTGCCCAGCTGTGCCCATGCTGACGGTTCCAGGTGCGGCTGGCTTTG-3'
Protein context (NP_003063.2, residues 941-961): QWFNAPFAMT[Gly951Glu]EKVDLNEEET

ClinVar aggregate classification (germline): Uncertain significance (1 of 4 stars; one submission).

Conditions:
Rhabdoid tumor predisposition syndrome 2 (RTPS2). Identifiers: Orphanet 231108, Orphanet 69077, MedGen C2750074, MONDO:0013224, OMIM 613325.

Submission:

Labcorp Genetics (formerly Invitae), Labcorp
Classification: Uncertain significance for Rhabdoid tumor predisposition syndrome 2. Last evaluated: 2021-08-13. Review status: criteria provided, single submitter. Criteria: Invitae Variant Classification Sherloc (09022015). Collection method: clinical testing. Allele origin: germline.
Comment: This sequence change replaces glycine with glutamic acid at codon 951 of the SMARCA4 protein (p.Gly951Glu). The glycine residue is highly conserved and there is a moderate physicochemical difference between glycine and glutamic acid. In summary, the available evidence is currently insufficient to determine the role of this variant in disease. Therefore, it has been classified as a Variant of Uncertain Significance. Algorithms developed to predict the effect of missense changes on protein structure and function (SIFT, PolyPhen-2, Align-GVGD) all suggest that this variant is likely to be disruptive. This variant has not been reported in the literature in individuals affected with SMARCA4-related conditions. This variant is not present in population databases (ExAC no frequency).